The following is an entry in ClinVar:

ClinVar aggregate classification (germline): Uncertain significance (1 of 4 stars; one submission).

gnomAD v4.1: 2 of 1,614,108 alleles (0.00012%); highest among the groups gnomAD compares: East Asian, 0.0022%; no homozygotes.

Submission:

Labcorp Genetics (formerly Invitae), Labcorp
Classification: Uncertain significance. Last evaluated: 2025-01-14. Review status: criteria provided, single submitter. Criteria: Invitae Variant Classification Sherloc (09022015). Collection method: clinical testing. Allele origin: germline.
Comment: This sequence change replaces glycine, which is neutral and non-polar, with alanine, which is neutral and non-polar, at codon 47 of the MCM3AP protein (p.Gly47Ala). This variant is not present in population databases (gnomAD no frequency). This variant has not been reported in the literature in individuals affected with MCM3AP-related conditions. An algorithm developed to predict the effect of missense changes on protein structure and function (PolyPhen-2) suggests that this variant is likely to be tolerated. In summary, the available evidence is currently insufficient to determine the role of this variant in disease. Therefore, it has been classified as a Variant of Uncertain Significance.

NM_003906.5(MCM3AP):c.140G>C (p.Gly47Ala)

Gene: MCM3AP (minichromosome maintenance complex component 3 associated protein; minus strand). Cytogenetic location: 21q22.3.
Variant type: single nucleotide variant.
Coding change: c.140G>C on transcript NM_003906.5 (MANE Select); coding-DNA position 140, G replaced by C.
Protein change: p.Gly47Ala; replaces glycine 47 with alanine.
Molecular consequence: missense variant.
Genome position (GRCh38, 1-based): chr21:46,285,147, C>G on the plus strand (G>C on the coding strand, the complement: MCM3AP is on the minus strand). VCF-style: chr21-46285147-C-G. GRCh37 (hg19) VCF-style: chr21-47705061-C-G.
Other names: short protein forms G47A.
Identifiers: ClinVar variation 3682725 (VCV003682725.2).